The following is an entry in ClinVar:

ClinVar aggregate classification (germline): Conflicting classifications of pathogenicity. Review status: criteria provided, conflicting classifications (1 of 4 stars). 23 submissions from 23 submitters: Uncertain significance (1); Benign (7); Likely benign (10). 5 of the submissions do not count toward it. Last evaluated 2026-09-01.

Conditions:
Breast and/or ovarian cancer. Identifiers: MedGen CN221562.
Hereditary cancer-predisposing syndrome. Also called: Neoplastic Syndromes, Hereditary; Tumor predisposition; Hereditary neoplastic syndrome; Hereditary Cancer Syndrome. Identifiers: Orphanet 140162, MedGen C0027672, MeSH D009386, MONDO:0015356.
Peutz-Jeghers syndrome (PJS). Also called: POLYPOSIS, HAMARTOMATOUS INTESTINAL; POLYPS-AND-SPOTS SYNDROME; Peutz-Jeghers polyposis; Periorificial lentiginosis syndrome. Identifiers: Orphanet 2869, MedGen C0031269, MeSH D010580, MONDO:0008280, OMIM 175200.
Malignant tumor of breast. Also called: Malignant breast neoplasm; Cancer breast. Identifiers: MedGen C0006142, MONDO:0007254. Disease mechanism: loss of function.

Allele frequency attached by ClinVar (database versions not stated): ESP Exome Variant Server 0.00008; ExAC 0.00041; gnomAD 0.00043 and 0.00047; gnomAD exomes 0.00048; TOPMed 0.00048.
gnomAD v4.1: 1,178 of 1,608,100 alleles (0.073%); highest among the groups gnomAD compares: Non-Finnish European, 0.089%; no homozygotes.

Submissions (23):

CeGaT Center for Human Genetics Tuebingen
Classification: Likely benign. Last evaluated: 2026-09-01. Review status: criteria provided, single submitter. Criteria: CeGaT Center For Human Genetics Tuebingen Variant Classification Criteria Version 2. Collection method: clinical testing. Allele origin: germline. Affected: yes. Observed: 4 variant alleles.
Comment: STK11: BP4, BP7

Labcorp Genetics (formerly Invitae), Labcorp
Classification: Benign for Peutz-Jeghers syndrome. Last evaluated: 2026-02-03. Review status: criteria provided, single submitter. Criteria: Invitae Variant Classification Sherloc (09022015). Collection method: clinical testing. Allele origin: germline.

Center for Genomic Medicine, Rigshospitalet, Copenhagen University Hospital
Classification: Likely benign. Last evaluated: 2025-03-04. Review status: criteria provided, single submitter. Criteria: ACMG Guidelines, 2015. Collection method: clinical testing. Allele origin: germline.

Laboratory of Genetics, Children's Clinical University Hospital Latvia
Classification: Likely benign. Last evaluated: 2025-02-16. Review status: criteria provided, single submitter. Criteria: ACMG Guidelines, 2015. Collection method: clinical testing. Allele origin: germline. Affected: yes.

Blueprint Genetics
Classification: Likely benign. Last evaluated: 2024-10-15. Review status: criteria provided, single submitter. Criteria: ACMG Guidelines, 2015. Collection method: clinical testing. Allele origin: germline.

Myriad Genetics, Inc.
Classification: Benign for Peutz-Jeghers syndrome. Last evaluated: 2023-04-14. Review status: criteria provided, single submitter. Criteria: Myriad Autosomal Dominant, Autosomal Recessive and X-Linked Classification Criteria (2023). Collection method: clinical testing. Allele origin: unknown.
Comment: This variant is considered benign. This variant is a silent/synonymous amino acid change and it is not expected to impact splicing.

CHEO Genetics Diagnostic Laboratory, Children's Hospital of Eastern Ontario
Classification: Likely benign for Breast and/or ovarian cancer. Last evaluated: 2023-01-06. Review status: criteria provided, single submitter. Criteria: ACMG Guidelines, 2015. Collection method: clinical testing. Allele origin: germline.

Genome-Nilou Lab
Classification: Likely benign for Peutz-Jeghers syndrome. Last evaluated: 2021-07-15. Review status: criteria provided, single submitter. Criteria: ACMG Guidelines, 2015. Collection method: clinical testing. Allele origin: germline. Affected: no.

Genetic Services Laboratory, University of Chicago
Classification: Benign. Last evaluated: 2021-03-12. Review status: criteria provided, single submitter. Criteria: ACMG Guidelines, 2015. Collection method: clinical testing. Allele origin: germline. Affected: no.

Sema4
Classification: Benign for Hereditary cancer-predisposing syndrome. Last evaluated: 2020-10-13. Review status: criteria provided, single submitter. Criteria: Sema4 Curation Guidelines. Collection method: curation. Allele origin: germline.

Quest Diagnostics Nichols Institute San Juan Capistrano
Classification: Benign. Last evaluated: 2019-08-13. Review status: criteria provided, single submitter. Criteria: Quest Diagnostics criteria. Collection method: clinical testing. Allele origin: unknown.

Mendelics
Classification: Likely benign for Peutz-Jeghers syndrome. Last evaluated: 2019-05-28. Review status: criteria provided, single submitter. Criteria: Mendelics Assertion Criteria 2017. Collection method: clinical testing. Allele origin: unknown.

Illumina Laboratory Services, Illumina
Classification: Uncertain significance for Peutz-Jeghers syndrome. Last evaluated: 2018-10-09. Review status: criteria provided, single submitter. Criteria: ICSL Variant Classification Criteria 13 December 2019. Collection method: clinical testing. Allele origin: germline.
Comment: This variant was observed as part of a predisposition screen in an ostensibly healthy population. A literature search was performed for the gene, cDNA change, and amino acid change (where applicable). Publications were found based on this search. However, the evidence from the literature, in combination with allele frequency data from public databases where available, was not sufficient to rule this variant in or out of causing disease. Therefore, this variant is classified as a variant of unknown significance.

Women's Health and Genetics/Laboratory Corporation of America, LabCorp
Classification: Benign. Last evaluated: 2017-02-09. Review status: criteria provided, single submitter. Criteria: LabCorp Variant Classification Summary - May 2015. Collection method: clinical testing. Allele origin: germline.
Comment: Variant summary: The c.1185A>G (p.Thr395=) in STK11 gene is a synonymous change that involves a non-conserved nucleotide. 5/5 programs in Alamut predict that this variant does not affect normal splicing, however no functional studies supporting this notion were published at the time of evaluation. The variant is present in the control population dataset of ExAC at frequency of 0.0004106 (31/75494 chrs tested), predominantly in individuals of European origin (0.0006144; 26/42320 chrs). The observed frequency exceeds the maximum expected allele frequency for a pathogenic variant in this gene (0.0000156), suggesting that it is a benign polymorphism. The variant was identified in at least 1 HBOC pt without strong evidence for causality. The variant of interest has been cited as Benign by multiple reputable databases/clinical laboratories. Taking together, the variant was classified as Benign.

Color Diagnostics, LLC DBA Color Health
Classification: Likely benign for Hereditary cancer-predisposing syndrome. Last evaluated: 2015-03-31. Review status: criteria provided, single submitter. Criteria: ACMG Guidelines, 2015. Collection method: clinical testing. Allele origin: germline.

Ambry Genetics
Classification: Likely benign for Hereditary cancer-predisposing syndrome. Last evaluated: 2014-06-18. Review status: criteria provided, single submitter. Criteria: Ambry Variant Classification Scheme 2023. Collection method: clinical testing. Allele origin: germline.

GeneDx
Classification: Benign. Last evaluated: 2014-03-24. Review status: criteria provided, single submitter. Criteria: GeneDx Variant Classification (06012015). Collection method: clinical testing. Allele origin: germline. Affected: yes.
Comment: This variant is considered likely benign or benign based on one or more of the following criteria: it is a conservative change, it occurs at a poorly conserved position in the protein, it is predicted to be benign by multiple in silico algorithms, and/or has population frequency not consistent with disease.

PreventionGenetics, part of Exact Sciences
Classification: Likely benign. Review status: criteria provided, single submitter. Criteria: ACMG Guidelines, 2015. Collection method: clinical testing. Allele origin: germline.

True Health Diagnostics
Classification: Likely benign for Hereditary cancer-predisposing syndrome. Last evaluated: 2017-09-13. Review status: no assertion criteria provided. Collection method: clinical testing. Allele origin: germline. Not counted in ClinVar's aggregate classification.

Counsyl
Classification: Likely benign for Peutz-Jeghers syndrome. Last evaluated: 2016-07-12. Review status: no assertion criteria provided. Collection method: clinical testing. Allele origin: unknown. Not counted in ClinVar's aggregate classification.

Clinical Genetics, Academic Medical Center
Classification: Likely benign. Review status: no assertion criteria provided. Collection method: clinical testing. Allele origin: germline. Affected: yes. Study: VKGL Data-share Consensus. Not counted in ClinVar's aggregate classification.

Department of Pathology and Laboratory Medicine, Sinai Health System
Classification: Likely benign for Malignant tumor of breast. Review status: no assertion criteria provided. Collection method: clinical testing. Allele origin: unknown. Affected: yes. Study: The Canadian Open Genetics Repository (COGR). Not counted in ClinVar's aggregate classification.
Comment: The STK11 p.Thr395= variant was identified in 1 of 66 proband chromosomes (frequency: 0.02) from Australian individuals or families with Peutzâ€šÃ„Ã¬Jeghers Syndrome (Chow 2006). The variant was also identified in dbSNP (ID: rs370207155) â€šÃ„ÃºWith other alleleâ€šÃ„Ã¹, ClinVar (classified benign by Invitae, GeneDx and likely benign by Ambry Genetics, Prevention Genetics and Counsyl), Clinvitae (3x), Zhejiang Colon Cancer Database (1x), but was not identified in Cosmic, LOVD 3.0, and Insight Hereditary Tumors Database. The variant was identified in control databases in 125 of 263502 chromosomes at a frequency of 0.0005 increasing the likelihood that this may be a low frequency benign variant in certain populations of origin (Genome Aggregation Consortium Feb 27, 2017), being identified in the following populations: African in 4 of 22240 chromosomes (frequency: 0.0002), Other in 2 of 6164 chromosomes (frequency: 0.0003), Latino in 8 of 33706 chromosomes (frequency: 0.0002), European Non-Finnish in 79 of 119338 chromosomes (frequency: 0.0006),and European Finnish in 32 of 24350 chromosomes (frequency: 0.001). The p.Thr395= variant is not expected to have clinical significance because it does not result in a change of amino acid and is not located in a known consensus splice site. In addition, in silico or computational prediction software programs (SpliceSiteFinder, MaxEntScan, NNSPLICE, GeneSplicer, HumanSpliceFinder) do not predict a difference in splicing. In summary, based on the above information the clinical significance of this variant cannot be determined with certainty at this time although we would lean towards a more benign role for this variant. This variant is classified as likely benign.

Genome Diagnostics Laboratory, Amsterdam University Medical Center
Classification: Likely benign. Review status: no assertion criteria provided. Collection method: clinical testing. Allele origin: germline. Affected: yes. Study: VKGL Data-share Consensus. Not counted in ClinVar's aggregate classification.

Literature cited by the submitters: PubMed 17026623 (cited by 4 submitters); PubMed 20722467 (cited by Quest Diagnostics Nichols Institute San Juan Capistrano and Women's Health and Genetics/Laboratory Corporation of America, LabCorp).

NM_000455.5(STK11):c.1185A>G (p.Thr395=)

Gene: STK11 (serine/threonine kinase 11; plus strand). Cytogenetic location: 19p13.3.
Variant type: single nucleotide variant.
Coding change: c.1185A>G on transcript NM_000455.5 (MANE Select); coding-DNA position 1185, A replaced by G.
Protein change: p.Thr395=; no amino-acid change (threonine 395 retained).
Molecular consequence: synonymous variant.
Genome position (GRCh38, 1-based): chr19:1,226,530, A>G. VCF-style: chr19-1226530-A-G. GRCh37 (hg19) VCF-style: chr19-1226529-A-G.
Other names: p.T395T:ACA>ACG.
Identifiers: ClinVar variation 135915 (VCV000135915.80), dbSNP rs370207155, ClinGen allele CA022422.